The following is an entry in ClinVar:

ClinVar aggregate classification (germline): Uncertain significance. Review status: criteria provided, multiple submitters, no conflicts (2 of 4 stars). 2 submissions from 2 submitters: Uncertain significance (2). Last evaluated 2022-08-01.

Conditions:
Hereditary cancer-predisposing syndrome. Also called: Hereditary Cancer Syndrome; Hereditary neoplastic syndrome; Neoplastic Syndromes, Hereditary; Tumor predisposition. Identifiers: Orphanet 140162, MedGen C0027672, MeSH D009386, MONDO:0015356.
Hereditary diffuse gastric adenocarcinoma (HDGC). Also called: DIFFUSE GASTRIC AND LOBULAR BREAST CANCER SYNDROME. Identifiers: Orphanet 26106, MedGen C1708349, MONDO:0007648, OMIM 137215.

Submissions (2):

European Reference Network on Genetic Tumour Risk Syndromes (ERN-GENTURIS), i3s - Instituto de Investigação e Inovação em Saúde, University of Porto
Classification: Uncertain significance for Hereditary diffuse gastric adenocarcinoma. Last evaluated: 2022-08-01. Review status: criteria provided, single submitter. Criteria: Lee et al. (Hum Mutat. 2018). Collection method: clinical testing. Allele origin: germline. Inheritance: Autosomal dominant inheritance. Affected: no. Study: ERN GENTURIS.
Comment: PM2 (PMID: 30311375)

Color Diagnostics, LLC DBA Color Health
Classification: Uncertain significance for Hereditary cancer-predisposing syndrome. Last evaluated: 2019-04-13. Review status: criteria provided, single submitter. Criteria: ACMG Guidelines, 2015. Collection method: clinical testing. Allele origin: germline.

Literature cited by the submitters: PubMed 36436516 (cited by European Reference Network on Genetic Tumour Risk Syndromes (ERN-GENTURIS), i3s - Instituto de Investigação e Inovação em Saúde, University of Porto).

NM_004360.5(CDH1):c.2646C>G (p.Asp882Glu)

Gene: CDH1 (cadherin 1; plus strand). Cytogenetic location: 16q22.1.
Variant type: single nucleotide variant.
Coding change: c.2646C>G on transcript NM_004360.5 (MANE Select); coding-DNA position 2646, C replaced by G.
Protein change: p.Asp882Glu; replaces aspartic acid 882 with glutamic acid.
Molecular consequence: missense variant.
Genome position (GRCh38, 1-based): chr16:68,833,496, C>G. VCF-style: chr16-68833496-C-G. GRCh37 (hg19) VCF-style: chr16-68867399-C-G.
Other names: c.2463C>G, p.Asp821Glu (NM_001317184.2); c.1098C>G, p.Asp366Glu (NM_001317185.2); c.681C>G, p.Asp227Glu (NM_001317186.2); short protein forms D366E, D821E, D882E, D227E.
Identifiers: ClinVar variation 919680 (VCV000919680.3), dbSNP rs1555518315, ClinGen allele CA396472957.